The following is an entry in ClinVar:

NM_000026.4(ADSL):c.1061C>T (p.Thr354Met)

Gene: ADSL (adenylosuccinate lyase; plus strand). Cytogenetic location: 22q13.1.
Variant type: single nucleotide variant.
Coding change: c.1061C>T on transcript NM_000026.4 (MANE Select); coding-DNA position 1061, C replaced by T.
Protein change: p.Thr354Met; replaces threonine 354 with methionine.
Molecular consequence: missense variant. On other transcripts: non-coding transcript variant (1).
Genome position (GRCh38, 1-based): chr22:40,363,031, C>T. VCF-style: chr22-40363031-C-T. GRCh37 (hg19) VCF-style: chr22-40759035-C-T.
Other names: p.T354M:ACG>ATG; c.1061C>T, p.Thr354Met (NM_001123378.3, NM_001363840.3); c.869C>T, p.Thr290Met (NM_001317923.2); short protein forms T354M, T290M.
Identifiers: ClinVar variation 204793 (VCV000204793.10), dbSNP rs752238667, ClinGen allele CA313106.

ClinVar aggregate classification (germline): Uncertain significance. Review status: criteria provided, multiple submitters, no conflicts (2 of 4 stars). 3 submissions from 3 submitters: Uncertain significance (3). Last evaluated 2024-08-29.

Conditions:
Adenylosuccinate lyase deficiency (ADSLD). Also called: ADSL DEFICIENCY. Identifiers: Orphanet 46, MedGen C0268126, MONDO:0007068, OMIM 103050.

Allele frequency attached by ClinVar (database versions not stated): TOPMed below 0.00001; gnomAD exomes 0.00001 and 0.00002; gnomAD 0.00002.
gnomAD v4.1: 17 of 1,613,986 alleles (0.0011%); highest among the groups gnomAD compares: East Asian, 0.0045%; no homozygotes.

Submissions (3):

Blueprint Genetics
Classification: Uncertain significance. Last evaluated: 2024-08-29. Review status: criteria provided, single submitter. Criteria: ACMG Guidelines, 2015. Collection method: clinical testing. Allele origin: germline.

Labcorp Genetics (formerly Invitae), Labcorp
Classification: Uncertain significance for Adenylosuccinate lyase deficiency. Last evaluated: 2024-02-23. Review status: criteria provided, single submitter. Criteria: Invitae Variant Classification Sherloc (09022015). Collection method: clinical testing. Allele origin: germline.
Comment: This sequence change replaces threonine, which is neutral and polar, with methionine, which is neutral and non-polar, at codon 354 of the ADSL protein (p.Thr354Met). This variant is present in population databases (rs752238667, gnomAD 0.004%). This variant has not been reported in the literature in individuals affected with ADSL-related conditions. ClinVar contains an entry for this variant (Variation ID: 204793). Advanced modeling of protein sequence and biophysical properties (such as structural, functional, and spatial information, amino acid conservation, physicochemical variation, residue mobility, and thermodynamic stability) has been performed at Invitae for this missense variant, however the output from this modeling did not meet the statistical confidence thresholds required to predict the impact of this variant on ADSL protein function. In summary, the available evidence is currently insufficient to determine the role of this variant in disease. Therefore, it has been classified as a Variant of Uncertain Significance.

GeneDx
Classification: Uncertain significance. Last evaluated: 2013-04-24. Review status: criteria provided, single submitter. Criteria: GeneDx Variant Classification (06012015). Collection method: clinical testing. Allele origin: germline. Affected: yes.
Comment: p.Thr354Met (ACG>ATG): c.1061 C>T in exon 10 of the ADSL gene (NM_000026.2) The Thr354Met missense change in the ADSL gene has not been published as a mutation, nor has it been reported as a benign polymorphism to our knowledge. It was not observed in approximately 6,500 individuals of European and African American ancestry in the NHLBI Exome Sequencing Project, indicating it is not a common benign variant in these populations. The amino substitution is non-conservative as a polar Threonine residue is replaced by a non-polar Methionine residue. Thr354Met alters a highly conserved position in the protein and several in-silico algorithms predict it may be damaging to the structure/function of the protein. Based on the currently available information, it is unclear whether Thr354Met is a disease-causing mutation or a rare benign variant. The variant is found in INFANT-EPI panel(s).